The following is an entry in ClinVar:

NM_000018.4(ACADVL):c.1552G>A (p.Gly518Ser)

Gene: ACADVL (acyl-CoA dehydrogenase very long chain; plus strand). Cytogenetic location: 17p13.1.
Variant type: single nucleotide variant.
Coding change: c.1552G>A on transcript NM_000018.4 (MANE Select); coding-DNA position 1552, G replaced by A.
Protein change: p.Gly518Ser; replaces glycine 518 with serine.
Molecular consequence: missense variant.
Genome position (GRCh38, 1-based): chr17:7,224,340, G>A. VCF-style: chr17-7224340-G-A. GRCh37 (hg19) VCF-style: chr17-7127659-G-A.
Other names: c.1486G>A, p.Gly496Ser (NM_001033859.3); c.1621G>A, p.Gly541Ser (NM_001270447.2); c.1324G>A, p.Gly442Ser (NM_001270448.2); c.1552G>A (NM_000018.2); short protein forms G442S, G518S, G496S, G541S.
Identifiers: ClinVar variation 439356 (VCV000439356.13), dbSNP rs374507980, ClinGen allele CA8338152.

ClinVar aggregate classification (germline): Uncertain significance. Review status: criteria provided, multiple submitters, no conflicts (2 of 4 stars). 5 submissions from 5 submitters: Uncertain significance (4). 1 of the submissions does not count toward it. Last evaluated 2024-12-06.

Conditions:
Very long chain acyl-CoA dehydrogenase deficiency (ACADVLD). Also called: VLCAD Deficiency; Very Long-Chain Acyl-Coenzyme A Dehydrogenase Deficiency. Identifiers: Orphanet 26793, MedGen C3887523, MONDO:0008723, OMIM 201475.

Allele frequency attached by ClinVar (database versions not stated): gnomAD 0.00001 and 0.00003; TOPMed 0.00002; gnomAD exomes 0.00005; ExAC 0.00007; ESP Exome Variant Server 0.00008; 1000 Genomes Project 30x 0.00016; 1000 Genomes Project 0.00020.
gnomAD v4.1: 31 of 1,613,876 alleles (0.0019%); highest among the groups gnomAD compares: Middle Eastern, 0.016%; no homozygotes.

Submissions (5):

Labcorp Genetics (formerly Invitae), Labcorp
Classification: Uncertain significance for Very long chain acyl-CoA dehydrogenase deficiency. Last evaluated: 2024-12-06. Review status: criteria provided, single submitter. Criteria: Invitae Variant Classification Sherloc (09022015). Collection method: clinical testing. Allele origin: germline.
Comment: This sequence change replaces glycine, which is neutral and non-polar, with serine, which is neutral and polar, at codon 518 of the ACADVL protein (p.Gly518Ser). This variant is present in population databases (rs374507980, gnomAD 0.02%). This missense change has been observed in individual(s) with a positive newborn screening result for ACADVL-related disease (PMID: 31031081). ClinVar contains an entry for this variant (Variation ID: 439356). Invitae Evidence Modeling of protein sequence and biophysical properties (such as structural, functional, and spatial information, amino acid conservation, physicochemical variation, residue mobility, and thermodynamic stability) indicates that this missense variant is expected to disrupt ACADVL protein function with a positive predictive value of 80%. In summary, the available evidence is currently insufficient to determine the role of this variant in disease. Therefore, it has been classified as a Variant of Uncertain Significance.

GeneDx
Classification: Uncertain significance. Last evaluated: 2023-11-01. Review status: criteria provided, single submitter. Criteria: GeneDx Variant Classification Process June 2021. Collection method: clinical testing. Allele origin: germline. Affected: yes.
Comment: In silico analysis supports that this missense variant has a deleterious effect on protein structure/function; This variant is associated with the following publications: (PMID: 34426522, 31031081)

Fulgent Genetics
Classification: Uncertain significance for Very long chain acyl-CoA dehydrogenase deficiency. Last evaluated: 2021-09-04. Review status: criteria provided, single submitter. Criteria: ACMG Guidelines, 2015. Collection method: clinical testing. Allele origin: unknown.

ARUP Laboratories, Molecular Genetics and Genomics, ARUP Laboratories
Classification: Uncertain significance. Last evaluated: 2016-11-04. Review status: criteria provided, single submitter. Criteria: ARUP Molecular Germline Variant Investigation Process. Collection method: clinical testing. Allele origin: germline.

Natera, Inc.
Classification: Uncertain significance for Very long chain acyl-CoA dehydrogenase deficiency. Last evaluated: 2020-09-16. Review status: no assertion criteria provided. Collection method: clinical testing. Allele origin: germline. Not counted in ClinVar's aggregate classification.

Literature cited by the submitters: PubMed 31031081 (cited by Labcorp Genetics (formerly Invitae), Labcorp).